The following is an entry in ClinVar:

NM_025144.4(ALPK1):c.756C>T (p.Asn252=)

Gene: ALPK1 (alpha kinase 1; plus strand). Cytogenetic location: 4q25.
Variant type: single nucleotide variant.
Coding change: c.756C>T on transcript NM_025144.4 (MANE Select); coding-DNA position 756, C replaced by T.
Protein change: p.Asn252=; no amino-acid change (asparagine 252 retained).
Molecular consequence: synonymous variant.
Genome position (GRCh38, 1-based): chr4:112,427,626, C>T. VCF-style: chr4-112427626-C-T. GRCh37 (hg19) VCF-style: chr4-113348782-C-T.
Other names: c.756C>T, p.Asn252= (NM_001102406.2); c.522C>T, p.Asn174= (NM_001253884.2); c.756C>T (NM_001102406.1).
Identifiers: ClinVar variation 2144393 (VCV002144393.6), dbSNP rs777786049, ClinGen allele CA3046544.

ClinVar aggregate classification (germline): Likely benign. Review status: criteria provided, multiple submitters, no conflicts (2 of 4 stars). 3 submissions from 3 submitters: Likely benign (3). Last evaluated 2026-05-14.

Conditions:
ALPK1-related disorder. Also called: ALPK1-related condition.

Allele frequency attached by ClinVar (database versions not stated): TOPMed 0.00008; gnomAD 0.00009; ExAC 0.00012.
gnomAD v4.1: 139 of 1,613,772 alleles (0.0086%); highest among the groups gnomAD compares: Non-Finnish European, 0.0098%; no homozygotes.

Submissions (3):

PreventionGenetics, part of Exact Sciences
Classification: Likely benign for ALPK1-related condition. Last evaluated: 2026-05-14. Review status: criteria provided, single submitter. Criteria: ACMG Guidelines, 2015. Collection method: clinical testing. Allele origin: germline.
Comment: This variant is classified as likely benign based on ACMG/AMP sequence variant interpretation guidelines (Richards et al. 2015 PMID: 25741868, with internal and published modifications).

Labcorp Genetics (formerly Invitae), Labcorp
Classification: Likely benign. Last evaluated: 2025-11-28. Review status: criteria provided, single submitter. Criteria: Invitae Variant Classification Sherloc (09022015). Collection method: clinical testing. Allele origin: germline.

Blueprint Genetics
Classification: Likely benign. Last evaluated: 2024-11-13. Review status: criteria provided, single submitter. Criteria: ACMG Guidelines, 2015. Collection method: clinical testing. Allele origin: germline.